The following is an entry in ClinVar:

NM_014806.5(RUSC2):c.853A>G (p.Ser285Gly)

Gene: RUSC2 (RUN and SH3 domain containing 2; plus strand). Cytogenetic location: 9p13.3.
Variant type: single nucleotide variant.
Coding change: c.853A>G on transcript NM_014806.5 (MANE Select); coding-DNA position 853, A replaced by G.
Protein change: p.Ser285Gly; replaces serine 285 with glycine.
Molecular consequence: missense variant. On other transcripts: non-coding transcript variant (1), intron variant (1).
Genome position (GRCh38, 1-based): chr9:35,547,374, A>G. VCF-style: chr9-35547374-A-G. GRCh37 (hg19) VCF-style: chr9-35547371-A-G.
Other names: c.853A>G, p.Ser285Gly (NM_001135999.2); c.-620-7686A>G (NM_001330740.2); short protein forms S285G.
Identifiers: ClinVar variation 1464782 (VCV001464782.34), dbSNP rs1444513149, ClinGen allele CA373329324.
Genomic context (GRCh38, chr9:35,547,374, plus strand): 5'-TCCATGGGCTATGTGAGCGACTCCTCCTGCAACAGTTCAGATGGTGTGCTGGTCACCTTC[A>G]GCACCCTCTACAACAAGATGCATGGCACCCCCCGTGCCAATCTCAACTCTGCCCCACAGT-3'
Protein context (NP_055621.2, residues 275-295): NSSDGVLVTF[Ser285Gly]TLYNKMHGTP

ClinVar aggregate classification (germline): Uncertain significance. Review status: criteria provided, single submitter (1 of 4 stars). 2 submissions from 2 submitters: Uncertain significance (1). 1 of the submissions does not count toward it. Last evaluated 2023-05-15.

Conditions:
Intellectual developmental disorder, autosomal recessive 61. Also called: ALWADEI SYNDROME; MENTAL RETARDATION, AUTOSOMAL RECESSIVE 61; Intellectual disability, autosomal recessive 61. Identifiers: MedGen C4540424, MONDO:0030915, OMIM 617773.

Allele frequency attached by ClinVar (database versions not stated): gnomAD exomes below 0.00001; gnomAD 0.00001; TOPMed 0.00002.
gnomAD v4.1: 3 of 1,614,060 alleles (0.00019%); highest among the groups gnomAD compares: East Asian, 0.0022%; no homozygotes.

Submissions (2):

Labcorp Genetics (formerly Invitae), Labcorp
Classification: Uncertain significance. Last evaluated: 2023-05-15. Review status: criteria provided, single submitter. Criteria: Invitae Variant Classification Sherloc (09022015). Collection method: clinical testing. Allele origin: germline.
Comment: In summary, the available evidence is currently insufficient to determine the role of this variant in disease. Therefore, it has been classified as a Variant of Uncertain Significance. An algorithm developed to predict the effect of missense changes on protein structure and function (PolyPhen-2) suggests that this variant is likely to be disruptive. ClinVar contains an entry for this variant (Variation ID: 1464782). This variant has not been reported in the literature in individuals affected with RUSC2-related conditions. This variant is not present in population databases (gnomAD no frequency). This sequence change replaces serine, which is neutral and polar, with glycine, which is neutral and non-polar, at codon 285 of the RUSC2 protein (p.Ser285Gly).

Developmental and Behavioral Pediatrics, First Affiliated Hospital of Jilin University
Classification: Uncertain significance for Intellectual developmental disorder, autosomal recessive 61. Review status: no assertion criteria provided. Collection method: clinical testing. Allele origin: paternal. Not counted in ClinVar's aggregate classification.